The following is an entry in ClinVar:

ClinVar aggregate classification (germline): Pathogenic/Likely pathogenic. Review status: criteria provided, multiple submitters, no conflicts (2 of 4 stars). 3 submissions from 3 submitters: Pathogenic (2); Likely pathogenic (1). Last evaluated 2025-08-31.

Conditions:
Glycogen storage disease, type VI (GSD6). Also called: Glycogen storage disease type 6; Hepatic glycogen phosphorylase deficiency; HERS DISEASE; PHOSPHORYLASE DEFICIENCY GLYCOGEN-STORAGE DISEASE OF LIVER; Glycogen storage disease type 6, due to phosphorylation; GSD VI. Identifiers: Orphanet 369, MedGen C0017925, MONDO:0009294, OMIM 232700.
PYGL-related disorder. Also called: PYGL-related condition.

Allele frequency attached by ClinVar (database versions not stated): TOPMed below 0.00001; gnomAD 0.00001; gnomAD exomes 0.00002.
gnomAD v4.1: 25 of 1,613,902 alleles (0.0015%); highest among the groups gnomAD compares: African/African-American, 0.0027%; no homozygotes.

Submissions (3):

GeneDx
Classification: Pathogenic. Last evaluated: 2025-08-31. Review status: criteria provided, single submitter. Criteria: GeneDx Variant Classification Process June 2021. Collection method: clinical testing. Allele origin: germline.
Comment: Nonsense variant predicted to result in protein truncation or nonsense mediated decay in a gene for which loss of function is a known mechanism of disease; Not observed at significant frequency in large population cohorts (gnomAD); This variant is associated with the following publications: (PMID: 35143115, 32892177)

Labcorp Genetics (formerly Invitae), Labcorp
Classification: Pathogenic for Glycogen storage disease, type VI. Last evaluated: 2022-08-20. Review status: criteria provided, single submitter. Criteria: Invitae Variant Classification Sherloc (09022015). Collection method: clinical testing. Allele origin: germline.
Comment: For these reasons, this variant has been classified as Pathogenic. Algorithms developed to predict the effect of sequence changes on RNA splicing suggest that this variant may disrupt the consensus splice site. This sequence change creates a premature translational stop signal (p.Trp492*) in the PYGL gene. It is expected to result in an absent or disrupted protein product. Loss-of-function variants in PYGL are known to be pathogenic (PMID: 9536091, 21646031). This variant is present in population databases (no rsID available, gnomAD 0.002%). This premature translational stop signal has been observed in individual(s) with glycogen storage disease (GSD) (PMID: 32892177).

Blueprint Genetics
Classification: Likely pathogenic for PYGL-related disorders. Last evaluated: 2019-11-20. Review status: criteria provided, single submitter. Criteria: ACMG Guidelines, 2015. Collection method: clinical testing. Allele origin: germline. Affected: yes. Observed: 1 variant allele.

Literature cited by the submitters: PubMed 9536091 (cited by Labcorp Genetics (formerly Invitae), Labcorp); PubMed 21646031 (cited by Labcorp Genetics (formerly Invitae), Labcorp); PubMed 32892177 (cited by Labcorp Genetics (formerly Invitae), Labcorp).

NM_002863.5(PYGL):c.1475G>A (p.Trp492Ter)

Gene: PYGL (glycogen phosphorylase L; minus strand). Cytogenetic location: 14q22.1.
Variant type: single nucleotide variant.
Coding change: c.1475G>A on transcript NM_002863.5 (MANE Select); coding-DNA position 1475, G replaced by A.
Protein change: p.Trp492Ter; replaces tryptophan 492 with a stop codon.
Molecular consequence: nonsense.
Genome position (GRCh38, 1-based): chr14:50,914,744, C>T on the plus strand (G>A on the coding strand, the complement: PYGL is on the minus strand). VCF-style: chr14-50914744-C-T. GRCh37 (hg19) VCF-style: chr14-51381462-C-T.
Other names: c.1475G>A (NM_002863.4); c.1373G>A, p.Trp458Ter (NM_001163940.2); short protein forms W458*, W492*.
Identifiers: ClinVar variation 1935779 (VCV001935779.8), dbSNP rs1042609342, ClinGen allele CA260826175.
Genomic context (GRCh38, chr14:50,914,744, plus strand): 5'-CAGCACTTCCCAGTTACCTCTGCTATGAGCTCTGCAAGTCCTGGGTTGCAGAGTAGGAGC[C>T]AGCGCCTTGGAGTGATCCCATTGGTTTTATTCTGAAACTTGTCAGGTTCTAGCTCACTGA-3'